The following is an entry in ClinVar:

NM_001277115.2(DNAH11):c.8318G>A (p.Gly2773Asp)

Gene: DNAH11 (dynein axonemal heavy chain 11; plus strand). Cytogenetic location: 7p15.3.
Variant type: single nucleotide variant.
Coding change: c.8318G>A on transcript NM_001277115.2 (MANE Select); coding-DNA position 8318, G replaced by A.
Protein change: p.Gly2773Asp; replaces glycine 2773 with aspartic acid.
Molecular consequence: missense variant.
Genome position (GRCh38, 1-based): chr7:21,744,871, G>A. VCF-style: chr7-21744871-G-A. GRCh37 (hg19) VCF-style: chr7-21784489-G-A.
Other names: c.8339G>A, p.Gly2780Asp (NM_003777.3); c.8318G>A (NM_001277115.1); short protein forms G2780D, G2773D.
Identifiers: ClinVar variation 2144938 (VCV002144938.2), dbSNP rs201180532, ClinGen allele CA4181571.

ClinVar aggregate classification (germline): Uncertain significance. Review status: criteria provided, multiple submitters, no conflicts (2 of 4 stars). 2 submissions from 2 submitters: Uncertain significance (2). Last evaluated 2025-03-06.

Conditions:
Primary ciliary dyskinesia. Also called: Ciliary dyskinesia. Identifiers: Orphanet 244, MedGen C0008780, MONDO:0016575, HP:0012265.

Allele frequency attached by ClinVar (database versions not stated): ExAC 0.00007; ESP Exome Variant Server 0.00008.
gnomAD v4.1: 18 of 1,607,290 alleles (0.0011%); highest among the groups gnomAD compares: East Asian, 0.02%; no homozygotes.

Submissions (2):

Ambry Genetics
Classification: Uncertain significance for Primary ciliary dyskinesia. Last evaluated: 2025-03-06. Review status: criteria provided, single submitter. Criteria: Ambry Variant Classification Scheme 2023. Collection method: clinical testing. Allele origin: germline.

Labcorp Genetics (formerly Invitae), Labcorp
Classification: Uncertain significance for Primary ciliary dyskinesia. Last evaluated: 2022-08-08. Review status: criteria provided, single submitter. Criteria: Invitae Variant Classification Sherloc (09022015). Collection method: clinical testing. Allele origin: germline.
Comment: This sequence change replaces glycine, which is neutral and non-polar, with aspartic acid, which is acidic and polar, at codon 2773 of the DNAH11 protein (p.Gly2773Asp). This variant is present in population databases (rs201180532, gnomAD 0.04%). This variant has not been reported in the literature in individuals affected with DNAH11-related conditions. Algorithms developed to predict the effect of missense changes on protein structure and function are either unavailable or do not agree on the potential impact of this missense change (SIFT: "Tolerated"; PolyPhen-2: "Possibly Damaging"; Align-GVGD: "Class C0"). In summary, the available evidence is currently insufficient to determine the role of this variant in disease. Therefore, it has been classified as a Variant of Uncertain Significance.